The following is an entry in ClinVar:

ClinVar aggregate classification (germline): Uncertain significance (1 of 4 stars; one submission).

Submission:

GeneDx
Classification: Uncertain significance. Last evaluated: 2025-02-04. Review status: criteria provided, single submitter. Criteria: GeneDx Variant Classification Process June 2021. Collection method: clinical testing. Allele origin: germline. Affected: yes.
Comment: Not observed at significant frequency in large population cohorts (gnomAD); Missense variant in a gene in which most reported pathogenic variants are truncating/loss of function; Has not been previously published as pathogenic or benign to our knowledge

NM_001267550.2(TTN):c.99448T>C (p.Ser33150Pro)

Genes: TTN (titin; minus strand), TTN-AS1 (TTN antisense RNA 1; plus strand). Cytogenetic location: 2q31.2.
Variant type: single nucleotide variant.
Coding change: c.99448T>C on transcript NM_001267550.2 (MANE Select); coding-DNA position 99448, T replaced by C.
Protein change: p.Ser33150Pro; replaces serine 33150 with proline.
Molecular consequence: missense variant.
Genome position (GRCh38, 1-based): chr2:178,537,759, A>G on the plus strand (T>C on the coding strand, the complement: TTN is on the minus strand). VCF-style: chr2-178537759-A-G. GRCh37 (hg19) VCF-style: chr2-179402486-A-G.
Other names: c.94525T>C, p.Ser31509Pro (NM_001256850.1); c.72253T>C, p.Ser24085Pro (NM_003319.4); c.91744T>C, p.Ser30582Pro (NM_133378.4); c.72628T>C, p.Ser24210Pro (NM_133432.3); c.72829T>C, p.Ser24277Pro (NM_133437.4); short protein forms S24085P, S24210P, S24277P, S30582P, S31509P, S33150P.
Identifiers: ClinVar variation 4072526 (VCV004072526.1).